The following is an entry in ClinVar:

ClinVar aggregate classification (germline): Uncertain significance (1 of 4 stars; one submission).

Conditions:
Glycine encephalopathy. Also called: Non-ketotic hyperglycinemia; Nonketotic hyperglycinemia. Identifiers: Orphanet 407, MedGen C0751748, MONDO:0011612, HP:0008288.

gnomAD v4.1: 1 of 1,612,256 alleles (0.000062%); highest among the groups gnomAD compares: Non-Finnish European, 0.000085%; no homozygotes.

Submission:

Labcorp Genetics (formerly Invitae), Labcorp
Classification: Uncertain significance for Glycine encephalopathy. Last evaluated: 2022-07-17. Review status: criteria provided, single submitter. Criteria: Invitae Variant Classification Sherloc (09022015). Collection method: clinical testing. Allele origin: germline.
Comment: This sequence change affects codon 287 of the GLDC mRNA. It is a 'silent' change, meaning that it does not change the encoded amino acid sequence of the GLDC protein. This variant also falls at the last nucleotide of exon 6, which is part of the consensus splice site for this exon. This variant is not present in population databases (gnomAD no frequency). This variant has not been reported in the literature in individuals affected with GLDC-related conditions. Variants that disrupt the consensus splice site are a relatively common cause of aberrant splicing (PMID: 17576681, 9536098). Algorithms developed to predict the effect of sequence changes on RNA splicing suggest that this variant may create or strengthen a splice site. In summary, the available evidence is currently insufficient to determine the role of this variant in disease. Therefore, it has been classified as a Variant of Uncertain Significance.

Literature cited by the submitters: PubMed 17576681; PubMed 9536098.

NM_000170.3(GLDC):c.861G>T (p.Gly287=)

Gene: GLDC (glycine decarboxylase; minus strand). Cytogenetic location: 9p24.1.
Variant type: single nucleotide variant.
Coding change: c.861G>T on transcript NM_000170.3 (MANE Select); coding-DNA position 861, G replaced by T.
Protein change: p.Gly287=; no amino-acid change (glycine 287 retained).
Molecular consequence: synonymous variant.
Genome position (GRCh38, 1-based): chr9:6,605,131, C>A on the plus strand (G>T on the coding strand, the complement: GLDC is on the minus strand). VCF-style: chr9-6605131-C-A. GRCh37 (hg19) VCF-style: chr9-6605131-C-A.
Identifiers: ClinVar variation 1933439 (VCV001933439.2), dbSNP rs540315265, ClinGen allele CA463601280.
Genomic context (GRCh38, chr9:6,605,131, plus strand): 5'-GTAGACAGATACAAGTTGGGATACGCCTCCACGGACCCCCCACAAGAAAGGTATACCTAC[C>A]CCACTCTGATGAGCTCTCTCCACGAGTTCCGTAAAGTCTTCCACCTTCCCCTCCGTGTCT-3'
Protein context (NP_000161.2, residues 277-297): TELVERAHQS[Gly287=]SLACCATDLL